The following is an entry in ClinVar:

NM_001128148.3(TFRC):c.1972A>G (p.Thr658Ala)

Gene: TFRC (transferrin receptor; minus strand). Cytogenetic location: 3q29.
Variant type: single nucleotide variant.
Coding change: c.1972A>G on transcript NM_001128148.3 (MANE Select); coding-DNA position 1972, A replaced by G.
Protein change: p.Thr658Ala; replaces threonine 658 with alanine.
Molecular consequence: missense variant.
Genome position (GRCh38, 1-based): chr3:196,053,486, T>C on the plus strand (A>G on the coding strand, the complement: TFRC is on the minus strand). VCF-style: chr3-196053486-T-C. GRCh37 (hg19) VCF-style: chr3-195780357-T-C.
Other names: c.1729A>G, p.Thr577Ala (NM_001313965.2); c.1126A>G, p.Thr376Ala (NM_001313966.2); c.1972A>G, p.Thr658Ala (NM_003234.4); short protein forms T577A, T658A, T376A.
Identifiers: ClinVar variation 2149585 (VCV002149585.5), dbSNP rs748490018, ClinGen allele CA2777752.
Genomic context (GRCh38, chr3:196,053,486, plus strand): 5'-CACGATCATTGAGTTTCTTCATGACAAATCTGTCTGTTTTCTCAGCATTCCCGAAATCTG[T>C]TGTTAGTCTGGAAGTAGCACGGAAGAAGTCTCCACGAGCAGAATACAGCCACTGTAAACT-3'
Protein context (NP_001121620.1, residues 648-668): DFFRATSRLT[Thr658Ala]DFGNAEKTDR

ClinVar aggregate classification (germline): Uncertain significance. Review status: criteria provided, multiple submitters, no conflicts (2 of 4 stars). 2 submissions from 2 submitters: Uncertain significance (2). Last evaluated 2025-07-20.

Allele frequency attached by ClinVar (database versions not stated): gnomAD 0.00004; gnomAD exomes 0.00004; ExAC 0.00005; TOPMed 0.00005.
gnomAD v4.1: 68 of 1,614,060 alleles (0.0042%); highest among the groups gnomAD compares: African/African-American, 0.0093%; no homozygotes.

Submissions (2):

Labcorp Genetics (formerly Invitae), Labcorp
Classification: Uncertain significance. Last evaluated: 2025-07-20. Review status: criteria provided, single submitter. Criteria: Invitae Variant Classification Sherloc (09022015). Collection method: clinical testing. Allele origin: germline.
Comment: This sequence change replaces threonine, which is neutral and polar, with alanine, which is neutral and non-polar, at codon 658 of the TFRC protein (p.Thr658Ala). This variant is present in population databases (rs748490018, gnomAD 0.008%). This variant has not been reported in the literature in individuals affected with TFRC-related conditions. ClinVar contains an entry for this variant (Variation ID: 2149585). Invitae Evidence Modeling of protein sequence and biophysical properties (such as structural, functional, and spatial information, amino acid conservation, physicochemical variation, residue mobility, and thermodynamic stability) indicates that this missense variant is not expected to disrupt TFRC protein function with a negative predictive value of 80%. Experimental studies have shown that this missense change does not substantially affect TFRC function (PMID: 14691533). In summary, the available evidence is currently insufficient to determine the role of this variant in disease. Therefore, it has been classified as a Variant of Uncertain Significance.

Blueprint Genetics
Classification: Uncertain significance. Last evaluated: 2024-10-11. Review status: criteria provided, single submitter. Criteria: ACMG Guidelines, 2015. Collection method: clinical testing. Allele origin: germline.

Literature cited by the submitters: PubMed 14691533 (cited by Labcorp Genetics (formerly Invitae), Labcorp).